The following is an entry in ClinVar:

NM_000551.4(VHL):c.*713T>C

Genes: VHL (von Hippel-Lindau tumor suppressor; plus strand), LOC107303340 (3p25 von Hippel-Lindau tumor suppressor, E3 ubiquitin protein ligase Alu-mediated recombination region; plus strand). Cytogenetic location: 3p25.3.
Variant type: single nucleotide variant.
Coding change: c.*713T>C on transcript NM_000551.4 (MANE Select); 713 bases downstream of the stop codon, T replaced by C.
Molecular consequence: 3 prime UTR variant.
Genome position (GRCh38, 1-based): chr3:10,150,678, T>C. VCF-style: chr3-10150678-T-C. GRCh37 (hg19) VCF-style: chr3-10192362-T-C.
Other names: c.*909T>C (NM_001354723.2); c.*713T>C (NM_198156.3).
Identifiers: ClinVar variation 903106 (VCV000903106.4), dbSNP rs13090098, ClinGen allele CA351757398.

ClinVar aggregate classification (germline): Benign (1 of 4 stars; one submission).

Conditions:
Von Hippel-Lindau syndrome (VHLS). Also called: von Hippel–Lindau syndrome; Von Hippel-Lindau; VHL syndrome. Identifiers: Orphanet 892, MedGen C0019562, MONDO:0008667, OMIM 193300. Disease mechanism: loss of function.

Allele frequency attached by ClinVar (database versions not stated): gnomAD exomes 0.00112; gnomAD 0.00595 and 0.00641; 1000 Genomes Project 0.00679; TOPMed 0.00700; 1000 Genomes Project 30x 0.00765.

Submission:

Illumina Laboratory Services, Illumina
Classification: Benign for Von Hippel-Lindau syndrome. Last evaluated: 2018-01-13. Review status: criteria provided, single submitter. Criteria: ICSL Variant Classification Criteria 13 December 2019. Collection method: clinical testing. Allele origin: germline.
Comment: This variant was observed in the ICSL laboratory as part of a predisposition screen in an ostensibly healthy population. It had not been previously curated by ICSL or reported in the Human Gene Mutation Database (HGMD: prior to June 1st, 2018), and was therefore a candidate for classification through an automated scoring system. Utilizing variant allele frequency, disease prevalence and penetrance estimates, and inheritance mode, an automated score was calculated to assess if this variant is too frequent to cause the disease. Based on the score and internal cut-off values, a variant classified as benign is not then subjected to further curation. The score for this variant resulted in a classification of benign for this disease.